The following is an entry in ClinVar:

NM_024989.4(PGAP1):c.2642A>G (p.Lys881Arg)

Gene: PGAP1 (post-GPI attachment to proteins inositol deacylase 1; minus strand). Cytogenetic location: 2q33.1.
Variant type: single nucleotide variant.
Coding change: c.2642A>G on transcript NM_024989.4 (MANE Select); coding-DNA position 2642, A replaced by G.
Protein change: p.Lys881Arg; replaces lysine 881 with arginine.
Molecular consequence: missense variant.
Genome position (GRCh38, 1-based): chr2:196,841,361, T>C on the plus strand (A>G on the coding strand, the complement: PGAP1 is on the minus strand). VCF-style: chr2-196841361-T-C. GRCh37 (hg19) VCF-style: chr2-197706085-T-C.
Other names: c.2120A>G, p.Lys707Arg (NM_001321099.2); c.1475A>G, p.Lys492Arg (NM_001321100.2); short protein forms K492R, K707R, K881R.
Identifiers: ClinVar variation 1011201 (VCV001011201.6), dbSNP rs375115788, ClinGen allele CA2040569.
Genomic context (GRCh38, chr2:196,841,361, plus strand): 5'-TGTGCTGACCCAAAAGCAATCACACCAACAGCCAGAGGAAGTGGAAATTGTGAAGTAGTC[T>C]TCAACAATTTACTGTAAAGAGACAGAGAAATATACATTACTTATGTGAACTACATTGTGA-3'
Protein context (NP_079265.2, residues 871-891): TVSIKSSKLL[Lys881Arg]TTSQFPLPLA

ClinVar aggregate classification (germline): Uncertain significance (1 of 4 stars; one submission).

Conditions:
Intellectual disability, autosomal recessive 42 (NEDDSBA). Also called: GLYCOSYLPHOSPHATIDYLINOSITOL BIOSYNTHESIS DEFECT 9; Neurodevelopmental disorder with dysmorphic features, spasticity, and brain abnormalities. Identifiers: Orphanet 88616, MedGen C4014343, MONDO:0014348, OMIM 615802.

Allele frequency attached by ClinVar (database versions not stated): ExAC 0.00008; gnomAD exomes 0.00010 and 0.00023; TOPMed 0.00014; ESP Exome Variant Server 0.00015; gnomAD 0.00017 and 0.00019.
gnomAD v4.1: 359 of 1,612,748 alleles (0.022%); highest among the groups gnomAD compares: Non-Finnish European, 0.029%; no homozygotes.

Submission:

Labcorp Genetics (formerly Invitae), Labcorp
Classification: Uncertain significance for Intellectual disability, autosomal recessive 42. Last evaluated: 2022-11-01. Review status: criteria provided, single submitter. Criteria: Invitae Variant Classification Sherloc (09022015). Collection method: clinical testing. Allele origin: germline.
Comment: This sequence change replaces lysine, which is basic and polar, with arginine, which is basic and polar, at codon 881 of the PGAP1 protein (p.Lys881Arg). This variant is present in population databases (rs375115788, gnomAD 0.02%). This variant has not been reported in the literature in individuals affected with PGAP1-related conditions. ClinVar contains an entry for this variant (Variation ID: 1011201). Advanced modeling of protein sequence and biophysical properties (such as structural, functional, and spatial information, amino acid conservation, physicochemical variation, residue mobility, and thermodynamic stability) performed at Invitae indicates that this missense variant is not expected to disrupt PGAP1 protein function. Algorithms developed to predict the effect of sequence changes on RNA splicing suggest that this variant may disrupt the consensus splice site. In summary, the available evidence is currently insufficient to determine the role of this variant in disease. Therefore, it has been classified as a Variant of Uncertain Significance.